The following is an entry in ClinVar:

NM_201548.5(CERKL):c.1556T>C (p.Ile519Thr)

Genes: CERKL (CERK like autophagy regulator; minus strand), ITGA4 (integrin subunit alpha 4; plus strand). Cytogenetic location: 2q31.3.
Variant type: single nucleotide variant.
Coding change: c.1556T>C on transcript NM_201548.5 (MANE Select); coding-DNA position 1556, T replaced by C.
Protein change: p.Ile519Thr; replaces isoleucine 519 with threonine.
Molecular consequence: missense variant. On other transcripts: 3 prime UTR variant (1), non-coding transcript variant (2).
Genome position (GRCh38, 1-based): chr2:181,538,227, A>G on the plus strand (T>C on the coding strand, the complement: CERKL is on the minus strand). VCF-style: chr2-181538227-A-G. GRCh37 (hg19) VCF-style: chr2-182402954-A-G.
Other names: c.*2700A>G (NM_000885.6); c.1634T>C, p.Ile545Thr (NM_001030311.3); c.1217T>C, p.Ile406Thr (NM_001030312.3); c.1349T>C, p.Ile450Thr (NM_001030313.3); c.1502T>C, p.Ile501Thr (NM_001160277.2); short protein forms I545T, I519T, I406T, I450T, I501T.
Identifiers: ClinVar variation 333004 (VCV000333004.10), dbSNP rs141723283, ClinGen allele CA2010379.

ClinVar aggregate classification (germline): Uncertain significance. Review status: criteria provided, multiple submitters, no conflicts (2 of 4 stars). 4 submissions from 4 submitters: Uncertain significance (4). Last evaluated 2024-10-21.

Conditions:
Retinitis pigmentosa 26 (RP26). Identifiers: Orphanet 791, MedGen C1842127, MONDO:0012024, OMIM 608380.
Retinitis pigmentosa (RP). Identifiers: Orphanet 791, MedGen C0035334, MeSH D012174, MONDO:0019200, OMIM 268000. Inheritance: Autosomal dominant, autosomal recessive and X linked inheritance.

Allele frequency attached by ClinVar (database versions not stated): gnomAD 0.00015 and 0.00014; TOPMed 0.00017; 1000 Genomes Project 30x 0.00047; 1000 Genomes Project 0.00060; gnomAD exomes 0.00006; ExAC 0.00008; ESP Exome Variant Server 0.00015.
gnomAD v4.1: 80 of 1,591,160 alleles (0.005%); highest among the groups gnomAD compares: Middle Eastern, 0.11%; no homozygotes.

Submissions (4):

Blueprint Genetics
Classification: Uncertain significance. Last evaluated: 2024-10-21. Review status: criteria provided, single submitter. Criteria: ACMG Guidelines, 2015. Collection method: clinical testing. Allele origin: germline.

Labcorp Genetics (formerly Invitae), Labcorp
Classification: Uncertain significance. Last evaluated: 2022-10-13. Review status: criteria provided, single submitter. Criteria: Invitae Variant Classification Sherloc (09022015). Collection method: clinical testing. Allele origin: germline.
Comment: This sequence change replaces isoleucine, which is neutral and non-polar, with threonine, which is neutral and polar, at codon 545 of the CERKL protein (p.Ile545Thr). This variant is present in population databases (rs141723283, gnomAD 0.04%). This variant has not been reported in the literature in individuals affected with CERKL-related conditions. ClinVar contains an entry for this variant (Variation ID: 333004). Advanced modeling of protein sequence and biophysical properties (such as structural, functional, and spatial information, amino acid conservation, physicochemical variation, residue mobility, and thermodynamic stability) performed at Invitae indicates that this missense variant is expected to disrupt CERKL protein function. In summary, the available evidence is currently insufficient to determine the role of this variant in disease. Therefore, it has been classified as a Variant of Uncertain Significance.

Revvity Omics, Revvity
Classification: Uncertain significance for Retinitis pigmentosa 26. Last evaluated: 2021-06-19. Review status: criteria provided, single submitter. Criteria: ACMG Guidelines, 2015. Collection method: clinical testing. Allele origin: germline.

Illumina Laboratory Services, Illumina
Classification: Uncertain significance for Retinitis pigmentosa. Last evaluated: 2018-01-13. Review status: criteria provided, single submitter. Criteria: ICSL Variant Classification Criteria 13 December 2019. Collection method: clinical testing. Allele origin: germline.